The following is an entry in ClinVar:

ClinVar aggregate classification (germline): Pathogenic (1 of 4 stars; one submission).

Conditions:
Severe combined immunodeficiency due to DCLRE1C deficiency (RS-SCID). Also called: SCID, AUTOSOMAL RECESSIVE, T CELL-NEGATIVE, B CELL-NEGATIVE, NK CELL-POSITIVE, WITH SENSITIVITY TO IONIZING RADIATION. Identifiers: Orphanet 275, MedGen C1865371, MONDO:0011225, OMIM 602450.

Submission:

Labcorp Genetics (formerly Invitae), Labcorp
Classification: Pathogenic for Athabaskan severe combined immunodeficiency. Last evaluated: 2023-08-31. Review status: criteria provided, single submitter. Criteria: Invitae Variant Classification Sherloc (09022015). Collection method: clinical testing. Allele origin: unknown.
Comment: This variant has not been reported in the literature in individuals affected with DCLRE1C-related conditions. For these reasons, this variant has been classified as Pathogenic. This variant is a gross deletion of the genomic region encompassing exon(s) 12 of the DCLRE1C gene. This deletion is out-of-frame, and is expected to create a premature termination codon and result in an absent or disrupted protein product. Loss-of-function variants in DCLRE1C are known to be pathogenic (PMID: 21664875, 26123418).

Literature cited by the submitters: PubMed 21664875; PubMed 26123418.

NC_000010.10:g.(?_14964960)_(14966845_?)del

Gene: DCLRE1C (DNA cross-link repair 1C; minus strand). Cytogenetic location: 10p13.
Variant type: Deletion.
Identifiers: ClinVar variation 3244865 (VCV003244865.1).